The following is an entry in ClinVar:

ClinVar aggregate classification (germline): Uncertain significance (1 of 4 stars; one submission).

Submission:

Labcorp Genetics (formerly Invitae), Labcorp
Classification: Uncertain significance. Last evaluated: 2025-10-21. Review status: criteria provided, single submitter. Criteria: Invitae Variant Classification Sherloc (09022015). Collection method: clinical testing. Allele origin: germline.
Comment: This sequence change replaces proline, which is neutral and non-polar, with serine, which is neutral and polar, at codon 112 of the PAX3 protein (p.Pro112Ser). This variant is not present in population databases (gnomAD no frequency). This variant has not been reported in the literature in individuals affected with PAX3-related conditions. Invitae Evidence Modeling of protein sequence and biophysical properties (such as structural, functional, and spatial information, amino acid conservation, physicochemical variation, residue mobility, and thermodynamic stability) indicates that this missense variant is not expected to disrupt PAX3 protein function with a negative predictive value of 80%. In summary, the available evidence is currently insufficient to determine the role of this variant in disease. Therefore, it has been classified as a Variant of Uncertain Significance.

NM_181458.4(PAX3):c.334C>T (p.Pro112Ser)

Gene: PAX3 (paired box 3; minus strand). Cytogenetic location: 2q36.1.
Variant type: single nucleotide variant.
Coding change: c.334C>T on transcript NM_181458.4 (MANE Select); coding-DNA position 334, C replaced by T.
Protein change: p.Pro112Ser; replaces proline 112 with serine.
Molecular consequence: missense variant.
Genome position (GRCh38, 1-based): chr2:222,295,645, G>A on the plus strand (C>T on the coding strand, the complement: PAX3 is on the minus strand). VCF-style: chr2-222295645-G-A. GRCh37 (hg19) VCF-style: chr2-223160364-G-A.
Other names: c.334C>T, p.Pro112Ser (NM_000438.6, NM_013942.5, NM_181457.4 and 3 more transcripts); c.331C>T, p.Pro111Ser (NM_001127366.3); short protein forms P112S, P111S.
Identifiers: ClinVar variation 4743759 (VCV004743759.1).